The following is an entry in ClinVar:

ClinVar aggregate classification (germline): Uncertain significance (1 of 4 stars; one submission).

Conditions:
Maple syrup urine disease (MSUD). Identifiers: Orphanet 511, MedGen C0024776, MeSH D008375, MONDO:0009563. Disease mechanism: loss of function.

Allele frequency attached by ClinVar (database versions not stated): gnomAD exomes 0.00004; ExAC 0.00010; 1000 Genomes Project 30x 0.00016; 1000 Genomes Project 0.00020.
gnomAD v4.1: 52 of 1,612,650 alleles (0.0032%); highest among the groups gnomAD compares: South Asian, 0.054%; no homozygotes.

Submission:

Labcorp Genetics (formerly Invitae), Labcorp
Classification: Uncertain significance for Maple syrup urine disease. Last evaluated: 2022-05-28. Review status: criteria provided, single submitter. Criteria: Invitae Variant Classification Sherloc (09022015). Collection method: clinical testing. Allele origin: germline.
Comment: This sequence change falls in intron 9 of the BCKDHB gene. It does not directly change the encoded amino acid sequence of the BCKDHB protein. It affects a nucleotide within the consensus splice site. This variant is present in population databases (rs569868468, gnomAD 0.05%). This variant has not been reported in the literature in individuals affected with BCKDHB-related conditions. Variants that disrupt the consensus splice site are a relatively common cause of aberrant splicing (PMID: 17576681, 9536098). Algorithms developed to predict the effect of sequence changes on RNA splicing suggest that this variant is not likely to affect RNA splicing. In summary, the available evidence is currently insufficient to determine the role of this variant in disease. Therefore, it has been classified as a Variant of Uncertain Significance.

Literature cited by the submitters: PubMed 17576681; PubMed 9536098.

NM_183050.4(BCKDHB):c.1038+5A>T

Gene: BCKDHB (branched chain keto acid dehydrogenase E1 subunit beta; plus strand). Cytogenetic location: 6q14.1.
Variant type: single nucleotide variant.
Coding change: c.1038+5A>T on transcript NM_183050.4 (MANE Select); 5 bases into the intron after coding-DNA position 1038, A replaced by T.
Molecular consequence: intron variant.
Genome position (GRCh38, 1-based): chr6:80,273,226, A>T. VCF-style: chr6-80273226-A-T. GRCh37 (hg19) VCF-style: chr6-80982943-A-T.
Other names: c.828+5A>T (NM_001318975.1); c.1038+5A>T (NM_000056.5).
Identifiers: ClinVar variation 2048932 (VCV002048932.1), dbSNP rs569868468, ClinGen allele CA3902834.